The following is an entry in ClinVar:

NM_201548.5(CERKL):c.553G>C (p.Val185Leu)

Gene: CERKL (CERK like autophagy regulator; minus strand). Cytogenetic location: 2q31.3.
Variant type: single nucleotide variant.
Coding change: c.553G>C on transcript NM_201548.5 (MANE Select); coding-DNA position 553, G replaced by C.
Protein change: p.Val185Leu; replaces valine 185 with leucine.
Molecular consequence: missense variant. On other transcripts: non-coding transcript variant (1), intron variant (2).
Genome position (GRCh38, 1-based): chr2:181,573,813, C>G on the plus strand (G>C on the coding strand, the complement: CERKL is on the minus strand). VCF-style: chr2-181573813-C-G. GRCh37 (hg19) VCF-style: chr2-182438540-C-G.
Other names: c.553G>C, p.Val185Leu (NM_001030311.3, NM_001030313.3); c.482-24105G>C (NM_001030312.3); c.482-7692G>C (NM_001160277.2); short protein forms V185L.
Identifiers: ClinVar variation 849055 (VCV000849055.7), dbSNP rs146698457, ClinGen allele CA2010783.

ClinVar aggregate classification (germline): Uncertain significance. Review status: criteria provided, multiple submitters, no conflicts (2 of 4 stars). 4 submissions from 4 submitters: Uncertain significance (3). 1 of the submissions does not count toward it. Last evaluated 2025-08-31.

Conditions:
Inborn genetic diseases. Identifiers: MedGen C0950123, MeSH D030342.
Retinitis pigmentosa 26 (RP26). Identifiers: Orphanet 791, MedGen C1842127, MONDO:0012024, OMIM 608380.

Allele frequency attached by ClinVar (database versions not stated): ExAC 0.00001; gnomAD 0.00001 and 0.00002; gnomAD exomes 0.00001 and 0.00006; TOPMed 0.00002; ESP Exome Variant Server 0.00008.
gnomAD v4.1: 96 of 1,612,094 alleles (0.006%); highest among the groups gnomAD compares: Non-Finnish European, 0.0077%; no homozygotes.

Submissions (4):

Ambry Genetics
Classification: Uncertain significance for Inborn genetic diseases. Last evaluated: 2025-08-31. Review status: criteria provided, single submitter. Criteria: Ambry Variant Classification Scheme 2023. Collection method: clinical testing. Allele origin: germline.

Blueprint Genetics
Classification: Uncertain significance. Last evaluated: 2024-05-03. Review status: criteria provided, single submitter. Criteria: ACMG Guidelines, 2015. Collection method: clinical testing. Allele origin: germline.

Labcorp Genetics (formerly Invitae), Labcorp
Classification: Uncertain significance. Last evaluated: 2022-11-01. Review status: criteria provided, single submitter. Criteria: Invitae Variant Classification Sherloc (09022015). Collection method: clinical testing. Allele origin: germline.
Comment: This sequence change replaces valine, which is neutral and non-polar, with leucine, which is neutral and non-polar, at codon 185 of the CERKL protein (p.Val185Leu). This variant is present in population databases (rs146698457, gnomAD 0.002%). This variant has not been reported in the literature in individuals affected with CERKL-related conditions. ClinVar contains an entry for this variant (Variation ID: 849055). Advanced modeling of protein sequence and biophysical properties (such as structural, functional, and spatial information, amino acid conservation, physicochemical variation, residue mobility, and thermodynamic stability) performed at Invitae indicates that this missense variant is not expected to disrupt CERKL protein function. In summary, the available evidence is currently insufficient to determine the role of this variant in disease. Therefore, it has been classified as a Variant of Uncertain Significance.

Natera, Inc.
Classification: Uncertain significance for Retinitis pigmentosa type 26. Last evaluated: 2020-01-24. Review status: no assertion criteria provided. Collection method: clinical testing. Allele origin: germline. Not counted in ClinVar's aggregate classification.